The following is an entry in ClinVar:

ClinVar aggregate classification (germline): Uncertain significance (1 of 4 stars; one submission).

Conditions:
POLD1-related polyposis and colorectal cancer syndrome (CRCS10). Also called: Colorectal cancer, susceptibility to, 10; Colorectal cancer 10; COLORECTAL CANCER, SUSCEPTIBILITY TO, ON CHROMOSOME 19q. Identifiers: Orphanet 220460, MedGen C2675481, MONDO:0012953, OMIM 612591.

Submission:

Labcorp Genetics (formerly Invitae), Labcorp
Classification: Uncertain significance for POLD1-related polyposis and colorectal cancer syndrome. Last evaluated: 2018-10-05. Review status: criteria provided, single submitter. Criteria: Invitae Variant Classification Sherloc (09022015). Collection method: clinical testing. Allele origin: germline.
Comment: Algorithms developed to predict the effect of sequence changes on RNA splicing suggest that this variant is not likely to affect RNA splicing, but this prediction has not been confirmed by published transcriptional studies. In summary, the available evidence is currently insufficient to determine the role of this variant in disease. Therefore, it has been classified as a Variant of Uncertain Significance. This variant has not been reported in the literature in individuals with POLD1-related disease. This sequence change affects codon 105 of the POLD1 mRNA. It is a 'silent' change, meaning that it does not change the encoded amino acid sequence of the POLD1 protein. This variant is not present in population databases (ExAC no frequency).

NM_002691.4(POLD1):c.315G>A (p.Val105=)

Gene: POLD1 (DNA polymerase delta 1, catalytic subunit; plus strand). Cytogenetic location: 19q13.33.
Variant type: single nucleotide variant.
Coding change: c.315G>A on transcript NM_002691.4 (MANE Select); coding-DNA position 315, G replaced by A.
Protein change: p.Val105=; no amino-acid change (valine 105 retained).
Molecular consequence: synonymous variant. On other transcripts: non-coding transcript variant (1).
Genome position (GRCh38, 1-based): chr19:50,399,483, G>A. VCF-style: chr19-50399483-G-A. GRCh37 (hg19) VCF-style: chr19-50902740-G-A.
Other names: c.315G>A, p.Val105= (NM_001256849.1, NM_001308632.1).
Identifiers: ClinVar variation 657636 (VCV000657636.8), dbSNP rs1601190993, ClinGen allele CA508181284.